The following is an entry in ClinVar:

NM_004035.7(ACOX1):c.270-1G>C

Gene: ACOX1 (acyl-CoA oxidase 1; minus strand). Cytogenetic location: 17q25.1.
Variant type: single nucleotide variant.
Coding change: c.270-1G>C on transcript NM_004035.7 (MANE Select); the canonical splice acceptor site of the intron before coding-DNA position 270, G replaced by C.
Molecular consequence: splice acceptor variant. On other transcripts: intron variant (1).
Genome position (GRCh38, 1-based): chr17:75,960,376, C>G on the plus strand (G>C on the coding strand, the complement: ACOX1 is on the minus strand). VCF-style: chr17-75960376-C-G. GRCh37 (hg19) VCF-style: chr17-73956457-C-G.
Other names: c.431-2810G>C (NM_007292.6); c.156-1G>C (NM_001185039.2).
Identifiers: ClinVar variation 4886393 (VCV004886393.2).

ClinVar aggregate classification (germline): Likely pathogenic (1 of 4 stars; one submission).

Submission:

Dasa
Classification: Likely pathogenic. Last evaluated: 2026-04-22. Review status: criteria provided, single submitter. Criteria: DASA Assertion Criteria. Collection method: clinical testing. Allele origin: germline.
Comment: NM_004035.7(ACOX1):c.270-1G>C affects a canonical splice site and is predicted to disrupt normal RNA splicing. Loss of function is an established disease mechanism for ACOX1-associated disorders. Also, this variant is rare in population databases. Based on the currently available evidence, this variant is classified as likely pathogenic.